The following is an entry in ClinVar:

ClinVar aggregate classification (germline): Pathogenic. Review status: criteria provided, multiple submitters, no conflicts (2 of 4 stars). 6 submissions from 6 submitters: Pathogenic (3). 3 of the submissions do not count toward it. Last evaluated 2024-01-24.

Conditions:
Meckel-Gruber syndrome. Also called: DYSENCEPHALIA SPLANCHNOCYSTICA; GRUBER SYNDROME; Dysencephalia splachnocystica. Identifiers: Orphanet 564, MedGen C0265215, MONDO:0018921.
Nephronophthisis. Also called: Juvenile Nephronophthisis. Identifiers: Orphanet 655, MedGen C0687120, MONDO:0019005, HP:0000090.
Joubert syndrome. Also called: CEREBELLOPARENCHYMAL DISORDER IV; Familial aplasia of the vermis; JOUBERT-BOLTSHAUSER SYNDROME. Identifiers: Orphanet 475, MedGen C5979921, MONDO:0018772.
Meckel syndrome, type 4 (MKS4). Also called: MECKEL-GRUBER SYNDROME, TYPE 4. Identifiers: Orphanet 564, MedGen C1970161, MONDO:0012626, OMIM 611134.
Bardet-Biedl syndrome 14 (BBS14). Identifiers: Orphanet 110, MedGen C2673874, MONDO:0014442, OMIM 615991.
Leber congenital amaurosis 10 (LCA10). Identifiers: Orphanet 65, MedGen C1857821, MONDO:0012723, OMIM 611755.
Senior-Loken syndrome 6 (SLSN6). Identifiers: Orphanet 3156, MedGen C1857779, MONDO:0012433, OMIM 610189.
Joubert syndrome 5 (JBTS5). Identifiers: Orphanet 2318, MedGen C1857780, MONDO:0012432, OMIM 610188.

Submissions (6):

Baylor Genetics
Classification: Pathogenic for Bardet-Biedl syndrome 14. Last evaluated: 2024-01-24. Review status: criteria provided, single submitter. Criteria: ACMG Guidelines, 2015. Collection method: clinical testing. Allele origin: unknown.

Fulgent Genetics
Classification: Pathogenic for Joubert syndrome 5; Senior-Loken syndrome 6; Meckel syndrome, type 4; Leber congenital amaurosis 10; Bardet-Biedl syndrome 14. Last evaluated: 2021-08-17. Review status: criteria provided, single submitter. Criteria: ACMG Guidelines, 2015. Collection method: clinical testing. Allele origin: unknown.

Labcorp Genetics (formerly Invitae), Labcorp
Classification: Pathogenic for Joubert syndrome; Meckel-Gruber syndrome; Nephronophthisis. Last evaluated: 2020-07-23. Review status: criteria provided, single submitter. Criteria: Invitae Variant Classification Sherloc (09022015). Collection method: clinical testing. Allele origin: germline.
Comment: This sequence change creates a premature translational stop signal (p.Glu227Serfs*2) in the CEP290 gene. It is expected to result in an absent or disrupted protein product. This variant is not present in population databases (ExAC no frequency). This variant has been observed in individual(s) with Leber congenital amaurosis (PMID: 16909394). ClinVar contains an entry for this variant (Variation ID: 99863). Loss-of-function variants in CEP290 are known to be pathogenic (PMID: 16909394, 17345604, 20690115, 25377065, 28559085). For these reasons, this variant has been classified as Pathogenic.

Clinical Genetics, Academic Medical Center
Classification: Pathogenic. Review status: no assertion criteria provided. Collection method: clinical testing. Allele origin: germline. Affected: yes. Study: VKGL Data-share Consensus. Not counted in ClinVar's aggregate classification.

Joint Genome Diagnostic Labs from Nijmegen and Maastricht, Radboudumc and MUMC+
Classification: Pathogenic. Review status: no assertion criteria provided. Collection method: clinical testing. Allele origin: germline. Affected: yes. Study: VKGL Data-share Consensus. Not counted in ClinVar's aggregate classification.

Retina International
No classification provided. Review status: no classification provided. Collection method: not provided. Allele origin: not provided. Not counted in ClinVar's aggregate classification.

Literature cited by the submitters: PubMed 16909394 (cited by Labcorp Genetics (formerly Invitae), Labcorp); PubMed 17345604 (cited by Labcorp Genetics (formerly Invitae), Labcorp); PubMed 20690115 (cited by Labcorp Genetics (formerly Invitae), Labcorp); PubMed 25377065 (cited by Labcorp Genetics (formerly Invitae), Labcorp); PubMed 28559085 (cited by Labcorp Genetics (formerly Invitae), Labcorp).

NM_025114.4(CEP290):c.679_680del (p.Glu227fs)

Gene: CEP290 (centrosomal protein 290; minus strand). Cytogenetic location: 12q21.32.
Variant type: Deletion.
Coding change: c.679_680del on transcript NM_025114.4 (MANE Select); coding-DNA positions 679 to 680, 2 bases deleted (GA; older notation c.679_680delGA).
Protein change: p.Glu227fs; shifts the reading frame from glutamic acid 227.
Molecular consequence: frameshift variant.
Genome position (GRCh38, 1-based): chr12:88,129,866-88,129,867, TC deleted on the plus strand (GA on the coding strand, the reverse complement: CEP290 is on the minus strand); deleting any 2 consecutive bases within chr12:88,129,866-88,129,868 gives the same sequence; the c. name uses the placement nearest the transcript's 3' end. VCF-style (leftmost placement, unchanged base first): chr12-88129865-TTC-T. GRCh37 (hg19) VCF-style: chr12-88523642-TTC-T.
Other names: c.679_680delGA (NM_025114.3); short protein forms E227fs.
Identifiers: ClinVar variation 99863 (VCV000099863.17), dbSNP rs62640578, ClinGen allele CA227984.
Genomic context (GRCh38, chr12:88,129,865, plus strand): 5'-TACAGACTCTTCTAAATTTTTTCTCATTTCTTGATTCTGAACTTCAATTTTCTCATTAGC[TTC>T]TGTTAAAGTCTAAAAAAGTTAAAGACACTATAATTAAAAAGTAATTTTAAAAAAACTGAA-3'